The following is an entry in ClinVar:

ClinVar aggregate classification (germline): Uncertain significance (1 of 4 stars; one submission).

Submission:

Labcorp Genetics (formerly Invitae), Labcorp
Classification: Uncertain significance. Last evaluated: 2022-04-19. Review status: criteria provided, single submitter. Criteria: Invitae Variant Classification Sherloc (09022015). Collection method: clinical testing. Allele origin: germline.
Comment: This sequence change creates a premature translational stop signal (p.Glu230*) in the HMCN1 gene. It is expected to result in an absent or disrupted protein product. However, the current clinical and genetic evidence is not sufficient to establish whether loss-of-function variants in HMCN1 cause disease. This variant is not present in population databases (gnomAD no frequency). This variant has not been reported in the literature in individuals affected with HMCN1-related conditions. In summary, the available evidence is currently insufficient to determine the role of this variant in disease. Therefore, it has been classified as a Variant of Uncertain Significance.

NM_031935.3(HMCN1):c.688G>T (p.Glu230Ter)

Gene: HMCN1 (hemicentin 1; plus strand). Cytogenetic location: 1q31.1.
Variant type: single nucleotide variant.
Coding change: c.688G>T on transcript NM_031935.3 (MANE Select); coding-DNA position 688, G replaced by T.
Protein change: p.Glu230Ter; replaces glutamic acid 230 with a stop codon.
Molecular consequence: nonsense.
Genome position (GRCh38, 1-based): chr1:185,909,403, G>T. VCF-style: chr1-185909403-G-T. GRCh37 (hg19) VCF-style: chr1-185878535-G-T.
Other names: short protein forms E230*.
Identifiers: ClinVar variation 2112950 (VCV002112950.4), dbSNP rs755109923, ClinGen allele CA343882990.
Genomic context (GRCh38, chr1:185,909,403, plus strand): 5'-AAATGGGTAGAAGAAGCAGTACAGGCCTCCAAAGTTCACCTTTTATCCACAGATCATTTG[G>T]AACAGGCTGTAAATACTTGGAGAATTCCTTTTGATCCCAGCCTGAAAGAGGTCACTGTGT-3'